The following is an entry in ClinVar:

NM_199242.3(UNC13D):c.2554-10T>C

Gene: UNC13D (unc-13 homolog D; minus strand). Cytogenetic location: 17q25.1.
Variant type: single nucleotide variant.
Coding change: c.2554-10T>C on transcript NM_199242.3 (MANE Select); 10 bases into the intron before coding-DNA position 2554, T replaced by C.
Molecular consequence: intron variant.
Genome position (GRCh38, 1-based): chr17:75,831,179, A>G on the plus strand (T>C on the coding strand, the complement: UNC13D is on the minus strand). VCF-style: chr17-75831179-A-G. GRCh37 (hg19) VCF-style: chr17-73827260-A-G.
Identifiers: ClinVar variation 2167109 (VCV002167109.2), dbSNP rs777653641, ClinGen allele CA8772467.

ClinVar aggregate classification (germline): Uncertain significance (1 of 4 stars; one submission).

Conditions:
Familial hemophagocytic lymphohistiocytosis 3 (FHL3). Also called: UNC13D-Related Familial Hemophagocytic Lymphohistiocytosis (UNC13D-fHLH). Identifiers: Orphanet 540, MedGen C1837174, MONDO:0012146, OMIM 608898.

Allele frequency attached by ClinVar (database versions not stated): gnomAD exomes 0.00001; TOPMed 0.00001; ExAC 0.00002; gnomAD 0.00003.
gnomAD v4.1: 9 of 1,613,850 alleles (0.00056%); highest among the groups gnomAD compares: Admixed American, 0.005%; no homozygotes.

Submission:

Labcorp Genetics (formerly Invitae), Labcorp
Classification: Uncertain significance for Familial hemophagocytic lymphohistiocytosis 3. Last evaluated: 2024-05-02. Review status: criteria provided, single submitter. Criteria: Invitae Variant Classification Sherloc (09022015). Collection method: clinical testing. Allele origin: germline.
Comment: This sequence change falls in intron 26 of the UNC13D gene. It does not directly change the encoded amino acid sequence of the UNC13D protein. This variant is present in population databases (rs777653641, gnomAD 0.003%). This variant has not been reported in the literature in individuals affected with UNC13D-related conditions. ClinVar contains an entry for this variant (Variation ID: 2167109). Algorithms developed to predict the effect of sequence changes on RNA splicing suggest that this variant may disrupt the consensus splice site. In summary, the available evidence is currently insufficient to determine the role of this variant in disease. Therefore, it has been classified as a Variant of Uncertain Significance.